The following is an entry in ClinVar:

ClinVar aggregate classification (germline): Benign/Likely benign. Review status: criteria provided, multiple submitters, no conflicts (2 of 4 stars). 11 submissions from 11 submitters: Benign (7); Likely benign (2). 2 of the submissions do not count toward it. Last evaluated 2026-02-03.

Conditions:
Inborn genetic diseases. Identifiers: MedGen C0950123, MeSH D030342.
Cohen syndrome (COH1). Also called: Cutis verticis gyrata, retinitis pigmentosa, and sensorineural deafness; PEPPER SYNDROME. Identifiers: Orphanet 193, MedGen C0265223, MONDO:0008999, OMIM 216550.

Allele frequency attached by ClinVar (database versions not stated): gnomAD exomes 0.00185 and 0.00517; ExAC 0.00647; gnomAD 0.01949 and 0.02088; ESP Exome Variant Server 0.02214; TOPMed 0.02217; 1000 Genomes Project 0.02236; 1000 Genomes Project 30x 0.02420.
gnomAD v4.1: 5,753 of 1,613,912 alleles (0.36%); highest among the groups gnomAD compares: African/African-American, 6.8%; 192 homozygotes.

Submissions (11):

Labcorp Genetics (formerly Invitae), Labcorp
Classification: Benign for Cohen syndrome. Last evaluated: 2026-02-03. Review status: criteria provided, single submitter. Criteria: Invitae Variant Classification Sherloc (09022015). Collection method: clinical testing. Allele origin: germline.

Women's Health and Genetics/Laboratory Corporation of America, LabCorp
Classification: Benign. Last evaluated: 2026-01-21. Review status: criteria provided, single submitter. Criteria: LabCorp Variant Classification Summary - May 2015. Collection method: clinical testing. Allele origin: germline.

Athena Diagnostics
Classification: Benign. Last evaluated: 2024-11-25. Review status: criteria provided, single submitter. Criteria: Athena Diagnostics Criteria. Collection method: clinical testing. Allele origin: unknown.

GeneDx
Classification: Benign. Last evaluated: 2019-01-16. Review status: criteria provided, single submitter. Criteria: GeneDx Variant Classification Process June 2021. Collection method: clinical testing. Allele origin: germline. Affected: yes.

Mayo Clinic Laboratories, Mayo Clinic
Classification: Benign. Last evaluated: 2018-11-14. Review status: criteria provided, single submitter. Criteria: ACMG Guidelines, 2015. Collection method: clinical testing. Allele origin: germline. Observed: 30 variant alleles.

Illumina Laboratory Services, Illumina
Classification: Benign for Cohen syndrome. Last evaluated: 2018-01-12. Review status: criteria provided, single submitter. Criteria: ICSL Variant Classification Criteria 13 December 2019. Collection method: clinical testing. Allele origin: germline.
Comment: This variant was observed in the ICSL laboratory as part of a predisposition screen in an ostensibly healthy population. It had not been previously curated by ICSL or reported in the Human Gene Mutation Database (HGMD: prior to June 1st, 2018), and was therefore a candidate for classification through an automated scoring system. Utilizing variant allele frequency, disease prevalence and penetrance estimates, and inheritance mode, an automated score was calculated to assess if this variant is too frequent to cause the disease. Based on the score and internal cut-off values, a variant classified as benign is not then subjected to further curation. The score for this variant resulted in a classification of benign for this disease.

Ambry Genetics
Classification: Benign for Inborn genetic diseases. Last evaluated: 2016-05-02. Review status: criteria provided, single submitter. Criteria: Ambry Variant Classification Scheme 2023. Collection method: clinical testing. Allele origin: germline.

Breakthrough Genomics
Classification: Likely benign. Review status: criteria provided, single submitter. Criteria: ACMG Guidelines, 2015. Collection method: not provided. Allele origin: germline. Inheritance: Autosomal recessive inheritance. Affected: yes.

PreventionGenetics, part of Exact Sciences
Classification: Likely benign. Review status: criteria provided, single submitter. Criteria: ACMG Guidelines, 2015. Collection method: clinical testing. Allele origin: germline.

Natera, Inc.
Classification: Benign for Cohen syndrome. Last evaluated: 2020-09-16. Review status: no assertion criteria provided. Collection method: clinical testing. Allele origin: germline. Not counted in ClinVar's aggregate classification.

Genetic Services Laboratory, University of Chicago
Classification: Likely benign for AllHighlyPenetrant. Review status: no assertion criteria provided. Collection method: clinical testing. Allele origin: germline. Inheritance: Autosomal recessive inheritance. Not counted in ClinVar's aggregate classification.
Comment: Likely benign based on allele frequency in 1000 Genomes Project or ESP global frequency and its presence in a patient with a rare or unrelated disease phenotype. NOT Sanger confirmed.

NM_152564.5(VPS13B):c.3837C>T (p.Cys1279=)

Gene: VPS13B (vacuolar protein sorting 13 homolog B; plus strand). Cytogenetic location: 8q22.2.
Variant type: single nucleotide variant.
Coding change: c.3837C>T on transcript NM_152564.5 (MANE Select); coding-DNA position 3837, C replaced by T.
Protein change: p.Cys1279=; no amino-acid change (cysteine 1279 retained).
Molecular consequence: synonymous variant.
Genome position (GRCh38, 1-based): chr8:99,481,769, C>T. VCF-style: chr8-99481769-C-T. GRCh37 (hg19) VCF-style: chr8-100493997-C-T.
Other names: p.Cys1279=; c.3837C>T, p.Cys1279= (NM_017890.5).
Identifiers: ClinVar variation 130724 (VCV000130724.33), dbSNP rs34941871, ClinGen allele CA155958.